The following is an entry in ClinVar:

ClinVar aggregate classification (germline): Conflicting classifications of pathogenicity. Review status: criteria provided, conflicting classifications (1 of 4 stars). 4 submissions from 4 submitters: Pathogenic (2); Uncertain significance (2). Last evaluated 2026-08-17.

Conditions:
Familial adenomatous polyposis 2. Also called: FAP type 2; MUTYH-associated polyposis; MUTYH-related attenuated familial adenomatous polyposis; COLORECTAL ADENOMATOUS POLYPOSIS, AUTOSOMAL RECESSIVE; ADENOMAS, MULTIPLE COLORECTAL, AUTOSOMAL RECESSIVE; Adenomas, multiple colorectal. Identifiers: Orphanet 220460, Orphanet 247798, MedGen C3272841, MONDO:0012041, OMIM 608456.
Hereditary cancer-predisposing syndrome. Also called: Neoplastic Syndromes, Hereditary; Hereditary Cancer Syndrome; Tumor predisposition; Hereditary neoplastic syndrome. Identifiers: Orphanet 140162, MedGen C0027672, MeSH D009386, MONDO:0015356.

Allele frequency attached by ClinVar (database versions not stated): TOPMed 0.00002; gnomAD 0.00001; ESP Exome Variant Server 0.00008.
gnomAD v4.1: 6 of 1,614,090 alleles (0.00037%); highest among the groups gnomAD compares: Non-Finnish European, 0.00051%; no homozygotes.

Submissions (4):

Ambry Genetics
Classification: Pathogenic for Hereditary cancer-predisposing syndrome. Last evaluated: 2026-08-17. Review status: criteria provided, single submitter. Criteria: Ambry Variant Classification Scheme 2023. Collection method: clinical testing. Allele origin: germline.
Comment: The c.348+10C>T intronic variant results from a C to T substitution 10 nucleotides after coding exon 3 in the MUTYH gene. This variant has been reported in the homozygous state and/or in conjunction with other MUTYH variant(s) in individual(s) who met clinical criteria for MUTYH-associated polyposis (Fokkema IF et al. Hum Mutat, 2011 May;32:557-63; Ambry internal data). This nucleotide position is poorly conserved in available vertebrate species. In silico splice site analysis predicts that this alteration will result in the creation or strengthening of a novel splice donor site. RNA studies have demonstrated that this alteration results in abnormal splicing in the set of samples tested (Ambry internal data). This variant is considered to be rare based on population cohorts in the Genome Aggregation Database (gnomAD). Based on the supporting evidence, this variant is interpreted as a disease-causing mutation.

Labcorp Genetics (formerly Invitae), Labcorp
Classification: Uncertain significance for Familial adenomatous polyposis 2. Last evaluated: 2024-10-29. Review status: criteria provided, single submitter. Criteria: Invitae Variant Classification Sherloc (09022015). Collection method: clinical testing. Allele origin: germline.
Comment: This sequence change falls in intron 3 of the MUTYH gene. It does not directly change the encoded amino acid sequence of the MUTYH protein. This variant is not present in population databases (gnomAD no frequency). This variant has been observed in individual(s) with colorectal cancer (PMID: 35534704). ClinVar contains an entry for this variant (Variation ID: 951920). Algorithms developed to predict the effect of sequence changes on RNA splicing suggest that this variant may disrupt the consensus splice site. In summary, the available evidence is currently insufficient to determine the role of this variant in disease. Therefore, it has been classified as a Variant of Uncertain Significance.

Mendelics
Classification: Uncertain significance. Last evaluated: 2022-05-04. Review status: criteria provided, single submitter. Criteria: Mendelics Assertion Criteria 2019. Collection method: clinical testing. Allele origin: germline.

Institute for Clinical Genetics, University Hospital TU Dresden, University Hospital TU Dresden
Classification: Pathogenic. Last evaluated: 2020-06-05. Review status: criteria provided, single submitter. Criteria: ACMG Guidelines, 2015. Collection method: clinical testing. Allele origin: germline.
Comment: PM2_SUP, BP4

Literature cited by the submitters: PubMed 21520333 (cited by Ambry Genetics); PubMed 35534704 (cited by Labcorp Genetics (formerly Invitae), Labcorp).

NM_001048174.2(MUTYH):c.264+10C>T

Gene: MUTYH (mutY DNA glycosylase; minus strand). Cytogenetic location: 1p34.1.
Variant type: single nucleotide variant.
Coding change: c.264+10C>T on transcript NM_001048174.2 (MANE Select); 10 bases into the intron after coding-DNA position 264, C replaced by T.
Molecular consequence: intron variant.
Genome position (GRCh38, 1-based): chr1:45,333,403, G>A on the plus strand (C>T on the coding strand, the complement: MUTYH is on the minus strand). VCF-style: chr1-45333403-G-A. GRCh37 (hg19) VCF-style: chr1-45799075-G-A.
Other names: c.-8+10C>T (NM_001350651.2, NM_001350650.2); c.-13+10C>T (NM_001293192.2, NM_001293196.2); c.264+10C>T (NM_001048171.2, NM_001048173.2, NM_001293195.2); c.309+10C>T (NM_001293190.2); c.339+10C>T (NM_012222.3); c.348+10C>T (NM_001128425.2); c.267+10C>T (NM_001048172.2); c.297+10C>T (NM_001293191.2).
Identifiers: ClinVar variation 951920 (VCV000951920.14), dbSNP rs369242529, ClinGen allele CA21839606.